The following is an entry in ClinVar:

NM_002439.5(MSH3):c.528C>G (p.His176Gln)

Gene: MSH3 (mutS homolog 3; plus strand). Cytogenetic location: 5q14.1.
Variant type: single nucleotide variant.
Coding change: c.528C>G on transcript NM_002439.5 (MANE Select); coding-DNA position 528, C replaced by G.
Protein change: p.His176Gln; replaces histidine 176 with glutamine.
Molecular consequence: missense variant.
Genome position (GRCh38, 1-based): chr5:80,665,312, C>G. VCF-style: chr5-80665312-C-G. GRCh37 (hg19) VCF-style: chr5-79961131-C-G.
Other names: short protein forms H176Q.
Identifiers: ClinVar variation 1417498 (VCV001417498.8), dbSNP rs368468467, ClinGen allele CA3327621.

ClinVar aggregate classification (germline): Uncertain significance. Review status: criteria provided, multiple submitters, no conflicts (2 of 4 stars). 2 submissions from 2 submitters: Uncertain significance (2). Last evaluated 2025-12-22.

Conditions:
Hereditary cancer-predisposing syndrome. Also called: Hereditary Cancer Syndrome; Tumor predisposition; Hereditary neoplastic syndrome; Neoplastic Syndromes, Hereditary. Identifiers: Orphanet 140162, MedGen C0027672, MeSH D009386, MONDO:0015356.

gnomAD v4.1: 3 of 1,613,564 alleles (0.00019%); highest among the groups gnomAD compares: African/African-American, 0.0013%; no homozygotes.

Submissions (2):

Labcorp Genetics (formerly Invitae), Labcorp
Classification: Uncertain significance. Last evaluated: 2025-12-22. Review status: criteria provided, single submitter. Criteria: Invitae Variant Classification Sherloc (09022015). Collection method: clinical testing. Allele origin: germline.
Comment: This sequence change replaces histidine, which is basic and polar, with glutamine, which is neutral and polar, at codon 176 of the MSH3 protein (p.His176Gln). This variant is present in population databases (rs368468467, gnomAD 0.003%). This variant has not been reported in the literature in individuals affected with MSH3-related conditions. ClinVar contains an entry for this variant (Variation ID: 1417498). An algorithm developed to predict the effect of missense changes on protein structure and function (PolyPhen-2) suggests that this variant is likely to be tolerated. In summary, the available evidence is currently insufficient to determine the role of this variant in disease. Therefore, it has been classified as a Variant of Uncertain Significance.

Ambry Genetics
Classification: Uncertain significance for Hereditary cancer-predisposing syndrome. Last evaluated: 2024-01-29. Review status: criteria provided, single submitter. Criteria: Ambry Variant Classification Scheme 2023. Collection method: clinical testing. Allele origin: germline.
Comment: The p.H176Q variant (also known as c.528C>G), located in coding exon 3 of the MSH3 gene, results from a C to G substitution at nucleotide position 528. The histidine at codon 176 is replaced by glutamine, an amino acid with highly similar properties. This amino acid position is conserved. In addition, this alteration is predicted to be tolerated by in silico analysis. Since supporting evidence is limited at this time, the clinical significance of this alteration remains unclear.